The following is an entry in ClinVar:

NM_004484.4(GPC3):c.1733T>A (p.Leu578Gln)

Gene: GPC3 (glypican 3; minus strand). Cytogenetic location: Xq26.2.
Variant type: single nucleotide variant.
Coding change: c.1733T>A on transcript NM_004484.4 (MANE Select); coding-DNA position 1733, T replaced by A.
Protein change: p.Leu578Gln; replaces leucine 578 with glutamine.
Molecular consequence: missense variant.
Genome position (GRCh38, 1-based): chrX:133,536,134, A>T on the plus strand (T>A on the coding strand, the complement: GPC3 is on the minus strand). VCF-style: chrX-133536134-A-T. GRCh37 (hg19) VCF-style: chrX-132670162-A-T.
Other names: c.1802T>A, p.Leu601Gln (NM_001164617.2); c.1685T>A, p.Leu562Gln (NM_001164618.2); c.1571T>A, p.Leu524Gln (NM_001164619.2); short protein forms L524Q, L578Q, L562Q, L601Q.
Identifiers: ClinVar variation 4739224 (VCV004739224.1).

ClinVar aggregate classification (germline): Uncertain significance (1 of 4 stars; one submission).

Conditions:
Wilms tumor 1 (WT1). Also called: Wilms tumor, somatic. Identifiers: Orphanet 654, MedGen CN033288, MONDO:0008679, OMIM 194070.

Submission:

Labcorp Genetics (formerly Invitae), Labcorp
Classification: Uncertain significance for Wilms tumor 1. Last evaluated: 2026-01-17. Review status: criteria provided, single submitter. Criteria: Invitae Variant Classification Sherloc (09022015). Collection method: clinical testing. Allele origin: germline.
Comment: This sequence change replaces leucine, which is neutral and non-polar, with glutamine, which is neutral and polar, at codon 578 of the GPC3 protein (p.Leu578Gln). This variant is not present in population databases (gnomAD no frequency). This variant has not been reported in the literature in individuals affected with GPC3-related conditions. An algorithm developed to predict the effect of missense changes on protein structure and function (PolyPhen-2) suggests that this variant is likely to be disruptive. Algorithms developed to predict the effect of sequence changes on RNA splicing suggest that this variant may create or strengthen a splice site. In summary, the available evidence is currently insufficient to determine the role of this variant in disease. Therefore, it has been classified as a Variant of Uncertain Significance.